The following is an entry in ClinVar:

NM_001330260.2(SCN8A):c.5584T>G (p.Leu1862Val)

Gene: SCN8A (sodium voltage-gated channel alpha subunit 8; plus strand). Cytogenetic location: 12q13.13.
Variant type: single nucleotide variant.
Coding change: c.5584T>G on transcript NM_001330260.2 (MANE Select); coding-DNA position 5584, T replaced by G.
Protein change: p.Leu1862Val; replaces leucine 1862 with valine.
Molecular consequence: missense variant.
Genome position (GRCh38, 1-based): chr12:51,807,070, T>G. VCF-style: chr12-51807070-T-G. GRCh37 (hg19) VCF-style: chr12-52200854-T-G.
Other names: c.5461T>G, p.Leu1821Val (NM_001177984.3, NM_001369788.1); c.5584T>G, p.Leu1862Val (NM_014191.4); short protein forms L1821V, L1862V.
Identifiers: ClinVar variation 1806611 (VCV001806611.1), dbSNP rs2540335593, ClinGen allele CA384887775.
Genomic context (GRCh38, chr12:51,807,070, plus strand): 5'-ATCCACTGCTTGGACATCCTTTTTGCCTTCACCAAGCGGGTCCTGGGAGATAGCGGGGAG[T>G]TGGACATCCTGCGGCAGCAGATGGAAGAGCGGTTCGTGGCATCCAATCCTTCCAAAGTGT-3'
Protein context (NP_001317189.1, residues 1852-1872): TKRVLGDSGE[Leu1862Val]DILRQQMEER

ClinVar aggregate classification (germline): Uncertain significance (1 of 4 stars; one submission).

Submission:

GeneDx
Classification: Uncertain significance. Last evaluated: 2022-06-21. Review status: criteria provided, single submitter. Criteria: GeneDx Variant Classification Process June 2021. Collection method: clinical testing. Allele origin: germline. Affected: yes.
Comment: Not observed at significant frequency in large population cohorts (gnomAD); Missense variants in this gene are often considered pathogenic (HGMD); In silico analysis supports that this missense variant does not alter protein structure/function; Has not been previously published as pathogenic or benign to our knowledge; This substitution is predicted to be within the C-terminal cytoplasmic domain